The following is an entry in ClinVar:

ClinVar aggregate classification (germline): Pathogenic (1 of 4 stars; one submission).

Conditions:
SLC2A2-related disorder. Also called: SLC2A2-related condition.

gnomAD v4.1: 1 of 1,614,100 alleles (0.000062%); no homozygotes.

Submission:

PreventionGenetics, part of Exact Sciences
Classification: Pathogenic for SLC2A2-related condition. Last evaluated: 2025-09-02. Review status: criteria provided, single submitter. Criteria: ACMG Guidelines, 2015. Collection method: clinical testing. Allele origin: germline.
Comment: The SLC2A2 c.371+2T>C variant is predicted to disrupt the GT donor site and interfere with normal splicing. This variant has been reported in the homozygous or compound heterozygous states in individuals with Fanconi-Bickel syndrome (Santer et al. 2002. PubMed ID: Du et al. 2024. PubMed ID: 38365697). This variant has not been reported in a large population database (gnomAD), indicating this variant is rare. Variants that disrupt the consensus splice donor site in SLC2A2 are expected to be pathogenic. This variant is interpreted as pathogenic.

NM_000340.2(SLC2A2):c.371+2T>C

Gene: SLC2A2 (solute carrier family 2 member 2; minus strand). Cytogenetic location: 3q26.2.
Variant type: single nucleotide variant.
Coding change: c.371+2T>C on transcript NM_000340.2 (MANE Select); the canonical splice donor site of the intron after coding-DNA position 371, T replaced by C.
Molecular consequence: splice donor variant. On other transcripts: intron variant (1).
Genome position (GRCh38, 1-based): chr3:171,014,467, A>G on the plus strand (T>C on the coding strand, the complement: SLC2A2 is on the minus strand). VCF-style: chr3-171014467-A-G. GRCh37 (hg19) VCF-style: chr3-170732256-A-G.
Other names: c.14+4064T>C (NM_001278658.2); c.-24+2T>C (NM_001278659.2).
Identifiers: ClinVar variation 4985559 (VCV004985559.1).